The following is an entry in ClinVar:

NM_000090.4(COL3A1):c.3523G>A (p.Glu1175Lys)

Gene: COL3A1 (collagen type III alpha 1 chain; plus strand). Cytogenetic location: 2q32.2.
Variant type: single nucleotide variant.
Coding change: c.3523G>A on transcript NM_000090.4 (MANE Select); coding-DNA position 3523, G replaced by A.
Protein change: p.Glu1175Lys; replaces glutamic acid 1175 with lysine.
Molecular consequence: missense variant.
Genome position (GRCh38, 1-based): chr2:189,008,140, G>A. VCF-style: chr2-189008140-G-A. GRCh37 (hg19) VCF-style: chr2-189872866-G-A.
Other names: short protein forms E1175K.
Identifiers: ClinVar variation 935580 (VCV000935580.10), dbSNP rs1688638293, ClinGen allele CA349846555.

ClinVar aggregate classification (germline): Uncertain significance (1 of 4 stars; one submission).

Conditions:
Ehlers-Danlos syndrome, type 4 (EDSVASC). Also called: Ehlers-Danlos syndrome vascular type; Ehlers Danlos syndrome, ecchymotic type; Ehlers Danlos syndrome, arterial type; Ehlers Danlos syndrome, Sack-Barabas type; Ehlers-Danlos Syndrome Type IV. Identifiers: Orphanet 286, MedGen C0268338, MONDO:0017314, OMIM 130050.

Submission:

Labcorp Genetics (formerly Invitae), Labcorp
Classification: Uncertain significance for Ehlers-Danlos syndrome, type 4. Last evaluated: 2019-08-23. Review status: criteria provided, single submitter. Criteria: Invitae Variant Classification Sherloc (09022015). Collection method: clinical testing. Allele origin: germline.
Comment: In summary, the available evidence is currently insufficient to determine the role of this variant in disease. Therefore, it has been classified as a Variant of Uncertain Significance. Algorithms developed to predict the effect of missense changes on protein structure and function are either unavailable or do not agree on the potential impact of this missense change (SIFT: "Tolerated"; PolyPhen-2: "Not Available"; Align-GVGD: "Class C0"). This variant has not been reported in the literature in individuals with COL3A1-related conditions. This variant is not present in population databases (ExAC no frequency). This sequence change replaces glutamic acid with lysine at codon 1175 of the COL3A1 protein (p.Glu1175Lys). The glutamic acid residue is highly conserved and there is a small physicochemical difference between glutamic acid and lysine.